The following is an entry in ClinVar:

ClinVar aggregate classification (germline): Pathogenic (1 of 4 stars; one submission).

Conditions:
Familial adenomatous polyposis 1 (FAP1). Also called: FAMILIAL ADENOMATOUS POLYPOSIS 1, ATTENUATED; POLYPOSIS, ADENOMATOUS INTESTINAL. Identifiers: MedGen C2713442, MONDO:0021056, OMIM 175100. Disease mechanism: loss of function.

Submission:

Myriad Genetics, Inc.
Classification: Pathogenic for Familial adenomatous polyposis 1. Last evaluated: 2023-05-12. Review status: criteria provided, single submitter. Criteria: Myriad Autosomal Dominant, Autosomal Recessive and X-Linked Classification Criteria (2023). Collection method: clinical testing. Allele origin: unknown.
Comment: This variant is considered pathogenic. This variant creates a frameshift predicted to result in premature protein truncation.

NM_000038.6(APC):c.4908_4920del (p.Asp1636fs)

Gene: APC (APC regulator of Wnt signaling pathway; plus strand). Cytogenetic location: 5q22.2.
Variant type: Deletion.
Coding change: c.4908_4920del on transcript NM_000038.6 (MANE Select); coding-DNA positions 4908 to 4920, 13 bases deleted (TGATATGCCACGG).
Protein change: p.Asp1636fs; shifts the reading frame from aspartic acid 1636.
Molecular consequence: frameshift variant. On other transcripts: non-coding transcript variant (2).
Genome position (GRCh38, 1-based): chr5:112,840,502-112,840,514, TGATATGCCACGG deleted. VCF-style (leftmost placement, unchanged base first): chr5-112840501-ATGATATGCCACGG-A. GRCh37 (hg19) VCF-style: chr5-112176198-ATGATATGCCACGG-A.
Other names: c.4908_4920del, p.Asp1636fs (NM_001127510.3, NM_001354895.2, NM_001407450.1); c.4854_4866del, p.Asp1618fs (NM_001127511.3); c.4962_4974del, p.Asp1654fs (NM_001354896.2, NM_001407447.1, NM_001407448.1 and 1 more transcripts); c.4938_4950del, p.Asp1646fs (NM_001354897.2); c.4833_4845del, p.Asp1611fs (NM_001354898.2); c.4824_4836del, p.Asp1608fs (NM_001354899.2); c.4785_4797del, p.Asp1595fs (NM_001354900.2); c.4731_4743del, p.Asp1577fs (NM_001354901.2, NM_001407453.1); and 11 more; short protein forms D1252fs, D1353fs, D1476fs, D1507fs, D1510fs, D1535fs, D1545fs, D1553fs.
Identifiers: ClinVar variation 2583791 (VCV002583791.2), dbSNP rs2533607861, ClinGen allele CA2582341395.